The following is an entry in ClinVar:

NM_176869.3(PPA2):c.962_965del (p.Glu321fs)

Gene: PPA2 (inorganic pyrophosphatase 2; minus strand). Cytogenetic location: 4q24.
Variant type: Microsatellite.
Coding change: c.962_965del on transcript NM_176869.3 (MANE Select); coding-DNA positions 962 to 965, 4 bases deleted (AAAG; older notation c.962_965delAAAG).
Protein change: p.Glu321fs; shifts the reading frame from glutamic acid 321.
Molecular consequence: frameshift variant.
Genome position (GRCh38, 1-based): chr4:105,370,848-105,370,851, CTTT deleted on the plus strand (AAAG on the coding strand, the reverse complement: PPA2 is on the minus strand); deleting any 4 consecutive bases within chr4:105,370,848-105,370,855 gives the same sequence; the c. name uses the placement nearest the transcript's 3' end. VCF-style (leftmost placement, unchanged base first): chr4-105370847-ACTTT-A. GRCh37 (hg19) VCF-style: chr4-106292004-ACTTT-A.
Other names: c.875_878del, p.Glu292fs (NM_006903.4); c.656_659del, p.Glu219fs (NM_176866.2); c.464_467del, p.Glu155fs (NM_176867.3); short protein forms E155fs, E219fs, E292fs, E321fs.
Identifiers: ClinVar variation 1436410 (VCV001436410.5), dbSNP rs1732994224, ClinGen allele CA1482748573.

ClinVar aggregate classification (germline): Uncertain significance (1 of 4 stars; one submission).

Submission:

Labcorp Genetics (formerly Invitae), Labcorp
Classification: Uncertain significance. Last evaluated: 2022-10-18. Review status: criteria provided, single submitter. Criteria: Invitae Variant Classification Sherloc (09022015). Collection method: clinical testing. Allele origin: germline.
Comment: In summary, the available evidence is currently insufficient to determine the role of this variant in disease. Therefore, it has been classified as a Variant of Uncertain Significance. Experimental studies and prediction algorithms are not available or were not evaluated, and the functional significance of this variant is currently unknown. This variant has not been reported in the literature in individuals affected with PPA2-related conditions. This variant is not present in population databases (gnomAD no frequency). This sequence change results in a frameshift in the PPA2 gene (p.Glu321Valfs*15). While this is not anticipated to result in nonsense mediated decay, it is expected to disrupt the last 14 amino acid(s) of the PPA2 protein and extend the protein by 0 additional amino acid residues.